The following is an entry in ClinVar:

ClinVar aggregate classification (germline): Benign (0 of 4 stars; one submission).

Conditions:
NLRP5-related disorder. Also called: NLRP5-related condition.

Allele frequency attached by ClinVar (database versions not stated): ESP Exome Variant Server 0.11670; 1000 Genomes Project 0.22464; 1000 Genomes Project 30x 0.21846.
gnomAD v4.1: 270,334 of 1,613,258 alleles (17%); highest among the groups gnomAD compares: East Asian, 47%; 27,615 homozygotes.

Submission:

PreventionGenetics, part of Exact Sciences
Classification: Benign for NLRP5-related condition. Last evaluated: 2024-01-05. Review status: no assertion criteria provided. Collection method: clinical testing. Allele origin: germline.
Comment: This variant is classified as benign based on ACMG/AMP sequence variant interpretation guidelines (Richards et al. 2015 PMID: 25741868, with internal and published modifications).

NM_001433705.1(NLRP5):c.2802G>T (p.Leu934=)

Gene: NLRP5 (NLR family pyrin domain containing 5; plus strand). Cytogenetic location: 19q13.43.
Variant type: single nucleotide variant.
Coding change: c.2802G>T on transcript NM_001433705.1 (MANE Select); coding-DNA position 2802, G replaced by T.
Protein change: p.Leu934=; no amino-acid change (leucine 934 retained).
Molecular consequence: synonymous variant.
Genome position (GRCh38, 1-based): chr19:56,041,090, G>T. VCF-style: chr19-56041090-G-T. GRCh37 (hg19) VCF-style: chr19-56552456-G-T.
Other names: NM_153447.4:c.2955G>T.
Identifiers: ClinVar variation 3060319 (VCV003060319.2), dbSNP rs61732213, ClinGen allele CA9686063.